The following is an entry in ClinVar:

ClinVar aggregate classification (germline): Uncertain significance. Review status: criteria provided, multiple submitters, no conflicts (2 of 4 stars). 5 submissions from 5 submitters: Uncertain significance (5). Last evaluated 2026-01-18.

Conditions:
NPHP1-related disorder. Also called: NPHP1-related condition; NPHP1-related disorders.
Inborn genetic diseases. Identifiers: MedGen C0950123, MeSH D030342.
Nephronophthisis. Also called: Juvenile Nephronophthisis. Identifiers: Orphanet 655, MedGen C0687120, MONDO:0019005, HP:0000090.
Nephronophthisis 1 (NPHP1). Also called: Nephronophthisis familial juvenile. Identifiers: Orphanet 655, Orphanet 93592, MedGen C1855681, MONDO:0009728, OMIM 256100.
Joubert syndrome with renal defect. Also called: JOUBERT SYNDROME 4. Identifiers: Orphanet 220497, MedGen C1846790, MONDO:0012308, OMIM 609583.
Senior-Loken syndrome 1 (SLSN1). Also called: JUVENILE NEPHRONOPHTHISIS WITH LEBER AMAUROSIS. Identifiers: Orphanet 3156, MedGen C4551559, MONDO:0009962, OMIM 266900.

Allele frequency attached by ClinVar (database versions not stated): ESP Exome Variant Server 0.00015.
gnomAD v4.1: 58 of 1,576,110 alleles (0.0037%); highest among the groups gnomAD compares: Middle Eastern, 0.017%; 1 homozygote.

Submissions (5):

Labcorp Genetics (formerly Invitae), Labcorp
Classification: Uncertain significance for Nephronophthisis. Last evaluated: 2026-01-18. Review status: criteria provided, single submitter. Criteria: Invitae Variant Classification Sherloc (09022015). Collection method: clinical testing. Allele origin: germline.
Comment: This sequence change replaces arginine, which is basic and polar, with serine, which is neutral and polar, at codon 303 of the NPHP1 protein (p.Arg303Ser). This variant is present in population databases (rs142670785, gnomAD 0.004%). This variant has not been reported in the literature in individuals affected with NPHP1-related conditions. ClinVar contains an entry for this variant (Variation ID: 1521403). Invitae Evidence Modeling of protein sequence and biophysical properties (such as structural, functional, and spatial information, amino acid conservation, physicochemical variation, residue mobility, and thermodynamic stability) indicates that this missense variant is not expected to disrupt NPHP1 protein function with a negative predictive value of 80%. In summary, the available evidence is currently insufficient to determine the role of this variant in disease. Therefore, it has been classified as a Variant of Uncertain Significance.

PreventionGenetics, part of Exact Sciences
Classification: Uncertain significance for NPHP1-related condition. Last evaluated: 2026-01-06. Review status: criteria provided, single submitter. Criteria: ACMG Guidelines, 2015. Collection method: clinical testing. Allele origin: germline.
Comment: The NPHP1 c.907C>A variant is predicted to result in the amino acid substitution p.Arg303Ser. To our knowledge, this variant has not been reported in the literature. This variant is reported in 0.0035% of alleles in individuals of European (Non-Finnish) descent in gnomAD. At this time, the clinical significance of this variant is uncertain due to the absence of conclusive functional and genetic evidence.

Ambry Genetics
Classification: Uncertain significance for Inborn genetic diseases. Last evaluated: 2025-04-03. Review status: criteria provided, single submitter. Criteria: Ambry Variant Classification Scheme 2023. Collection method: clinical testing. Allele origin: germline.

Blueprint Genetics
Classification: Uncertain significance. Last evaluated: 2024-10-16. Review status: criteria provided, single submitter. Criteria: ACMG Guidelines, 2015. Collection method: clinical testing. Allele origin: germline.

Fulgent Genetics
Classification: Uncertain significance for Nephronophthisis 1; Senior-Loken syndrome 1; Joubert syndrome with renal defect. Last evaluated: 2022-05-11. Review status: criteria provided, single submitter. Criteria: ACMG Guidelines, 2015. Collection method: clinical testing. Allele origin: unknown.

NM_001128178.3(NPHP1):c.771+136C>A

Gene: NPHP1 (nephrocystin 1; minus strand). Cytogenetic location: 2q13.
Variant type: single nucleotide variant.
Coding change: c.771+136C>A on transcript NM_001128178.3 (MANE Select); 136 bases into the intron after coding-DNA position 771, C replaced by A.
Molecular consequence: intron variant. On other transcripts: missense variant (2).
Genome position (GRCh38, 1-based): chr2:110,164,552, G>T on the plus strand (C>A on the coding strand, the complement: NPHP1 is on the minus strand). VCF-style: chr2-110164552-G-T. GRCh37 (hg19) VCF-style: chr2-110922129-G-T.
Other names: c.907C>A (NM_000272.3); c.907C>A, p.Arg303Ser (NM_000272.5, NM_207181.4); c.585+136C>A (NM_001128179.3); c.771+136C>A (NM_001374256.1, NM_001374257.1); short protein forms R303S.
Identifiers: ClinVar variation 1521403 (VCV001521403.11), dbSNP rs142670785, ClinGen allele CA1827259.